The following is an entry in ClinVar:

NM_000238.4(KCNH2):c.2361C>T (p.Ile787=)

Gene: KCNH2 (potassium voltage-gated channel subfamily H member 2; minus strand). Cytogenetic location: 7q36.1.
Variant type: single nucleotide variant.
Coding change: c.2361C>T on transcript NM_000238.4 (MANE Select); coding-DNA position 2361, C replaced by T.
Protein change: p.Ile787=; no amino-acid change (isoleucine 787 retained).
Molecular consequence: synonymous variant. On other transcripts: non-coding transcript variant (2).
Genome position (GRCh38, 1-based): chr7:150,950,205, G>A on the plus strand (C>T on the coding strand, the complement: KCNH2 is on the minus strand). VCF-style: chr7-150950205-G-A. GRCh37 (hg19) VCF-style: chr7-150647293-G-A.
Other names: c.2361C>T (NM_000238.2); c.1341C>T, p.Ile447= (NM_001204798.2, NM_172057.3); c.2073C>T, p.Ile691= (NM_001406753.1, NM_001406756.1); c.2184C>T, p.Ile728= (NM_001406755.1); c.2061C>T, p.Ile687= (NM_001406757.1); c.2361C>T, p.Ile787= (NM_172056.3).
Identifiers: ClinVar variation 456908 (VCV000456908.54), dbSNP rs147635827, ClinGen allele CA169075747.

ClinVar aggregate classification (germline): Benign/Likely benign. Review status: criteria provided, multiple submitters, no conflicts (2 of 4 stars). 6 submissions from 6 submitters: Benign (1); Likely benign (5). Last evaluated 2025-11-23.

Conditions:
Cardiovascular phenotype. Identifiers: MedGen CN230736.
Cardiac arrhythmia. Also called: Arrhythmia; Cardiac rhythm disease. Identifiers: MedGen C0003811, MONDO:0007263, HP:0011675.
Long QT syndrome (LQTS). Identifiers: MedGen C0023976, MeSH D008133, MONDO:0002442. Disease mechanism: loss of function. Inheritance: Various modes of inheritance.

Allele frequency attached by ClinVar (database versions not stated): gnomAD exomes below 0.00001 and 0.00001; TOPMed 0.00002; gnomAD 0.00003 and 0.00004.
gnomAD v4.1: 21 of 1,611,536 alleles (0.0013%); highest among the groups gnomAD compares: East Asian, 0.0022%; no homozygotes.

Submissions (6):

Labcorp Genetics (formerly Invitae), Labcorp
Classification: Likely benign for Long QT syndrome. Last evaluated: 2025-11-23. Review status: criteria provided, single submitter. Criteria: Invitae Variant Classification Sherloc (09022015). Collection method: clinical testing. Allele origin: germline.

All of Us Research Program, National Institutes of Health
Classification: Likely benign for Long QT syndrome. Last evaluated: 2023-12-13. Review status: criteria provided, single submitter. Criteria: ACMG Guidelines, 2015. Collection method: clinical testing. Allele origin: germline. Inheritance: Autosomal dominant inheritance. Observed: 5 variant alleles, 5 heterozygotes.
Comment: This study involves interpretation of variants in research participants for the purpose of population health screening. Participant phenotype was not available at the time of variant classification. Additional details can be found in publication PMID: 35346344, PMCID: PMC8962531

CeGaT Center for Human Genetics Tuebingen
Classification: Likely benign. Last evaluated: 2021-11-01. Review status: criteria provided, single submitter. Criteria: CeGaT Center For Human Genetics Tuebingen Variant Classification Criteria Version 2. Collection method: clinical testing. Allele origin: germline. Affected: yes. Observed: 1 variant allele.

Ambry Genetics
Classification: Likely benign for Cardiovascular phenotype. Last evaluated: 2021-02-05. Review status: criteria provided, single submitter. Criteria: Ambry Variant Classification Scheme 2023. Collection method: clinical testing. Allele origin: germline.

Color Diagnostics, LLC DBA Color Health
Classification: Likely benign for Cardiac arrhythmia. Last evaluated: 2020-06-29. Review status: criteria provided, single submitter. Criteria: ACMG Guidelines, 2015. Collection method: clinical testing. Allele origin: germline.

GeneDx
Classification: Benign. Last evaluated: 2015-03-03. Review status: criteria provided, single submitter. Criteria: GeneDx Variant Classification Process June 2021. Collection method: clinical testing. Allele origin: germline. Affected: yes.